The following is an entry in ClinVar:

NM_017947.4(MOCOS):c.2260C>G (p.Leu754Val)

Gene: MOCOS (molybdenum cofactor sulfurase; plus strand). Cytogenetic location: 18q12.2.
Variant type: single nucleotide variant.
Coding change: c.2260C>G on transcript NM_017947.4 (MANE Select); coding-DNA position 2260, C replaced by G.
Protein change: p.Leu754Val; replaces leucine 754 with valine.
Molecular consequence: missense variant.
Genome position (GRCh38, 1-based): chr18:36,257,063, C>G. VCF-style: chr18-36257063-C-G. GRCh37 (hg19) VCF-style: chr18-33837026-C-G.
Other names: short protein forms L754V.
Identifiers: ClinVar variation 1959495 (VCV001959495.5), dbSNP rs2510983251, ClinGen allele CA402290862.
Genomic context (GRCh38, chr18:36,257,063, plus strand): 5'-GTGAATGAGGCACAGTATCTGCTGATCAACACATCCAGTATTTTGGAACTTCACCGGCAA[C>G]TAAACACCAGGTAAGACCTCATACCTCGGGACTAGCAGACAAGCATAACCATTTGCCACT-3'
Protein context (NP_060417.4, residues 744-764): TSSILELHRQ[Leu754Val]NTSDENGKEE

ClinVar aggregate classification (germline): Uncertain significance (1 of 4 stars; one submission).

Conditions:
Xanthinuria type II. Also called: Xanthine dehydrogenase and aldehyde oxidase combined deficiency of; XDH and AOX dual deficiency. Identifiers: Orphanet 3467, Orphanet 93602, MedGen C1863688, MONDO:0011346, OMIM 603592.

Allele frequency attached by ClinVar (database versions not stated): gnomAD exomes below 0.00001.

Submission:

Labcorp Genetics (formerly Invitae), Labcorp
Classification: Uncertain significance for Xanthinuria type II. Last evaluated: 2022-08-09. Review status: criteria provided, single submitter. Criteria: Invitae Variant Classification Sherloc (09022015). Collection method: clinical testing. Allele origin: germline.
Comment: In summary, the available evidence is currently insufficient to determine the role of this variant in disease. Therefore, it has been classified as a Variant of Uncertain Significance. Algorithms developed to predict the effect of sequence changes on RNA splicing suggest that this variant may create or strengthen a splice site. Algorithms developed to predict the effect of missense changes on protein structure and function are either unavailable or do not agree on the potential impact of this missense change (SIFT: "Deleterious"; PolyPhen-2: "Benign"; Align-GVGD: "Class C0"). This variant has not been reported in the literature in individuals affected with MOCOS-related conditions. This variant is not present in population databases (gnomAD no frequency). This sequence change replaces leucine, which is neutral and non-polar, with valine, which is neutral and non-polar, at codon 754 of the MOCOS protein (p.Leu754Val).